The following is an entry in ClinVar:

ClinVar aggregate classification (germline): Conflicting classifications of pathogenicity. Review status: criteria provided, conflicting classifications (1 of 4 stars). 2 submissions from 2 submitters: Uncertain significance (1); Likely benign (1). Last evaluated 2024-11-04.

Allele frequency attached by ClinVar (database versions not stated): TOPMed 0.00002; gnomAD 0.00003 and 0.00004; gnomAD exomes 0.00003 and 0.00004; ExAC 0.00006.
gnomAD v4.1: 55 of 1,613,534 alleles (0.0034%); highest among the groups gnomAD compares: Non-Finnish European, 0.0042%; no homozygotes.

Submissions (2):

Blueprint Genetics
Classification: Likely benign. Last evaluated: 2024-11-04. Review status: criteria provided, single submitter. Criteria: ACMG Guidelines, 2015. Collection method: clinical testing. Allele origin: germline.

Labcorp Genetics (formerly Invitae), Labcorp
Classification: Uncertain significance. Last evaluated: 2024-10-21. Review status: criteria provided, single submitter. Criteria: Invitae Variant Classification Sherloc (09022015). Collection method: clinical testing. Allele origin: germline.
Comment: This sequence change falls in intron 6 of the DNASE1L3 gene. It does not directly change the encoded amino acid sequence of the DNASE1L3 protein. It affects a nucleotide within the consensus splice site. This variant is present in population databases (rs771697274, gnomAD 0.01%). This variant has not been reported in the literature in individuals affected with DNASE1L3-related conditions. ClinVar contains an entry for this variant (Variation ID: 1476713). Variants that disrupt the consensus splice site are a relatively common cause of aberrant splicing (PMID: 17576681, 9536098). Algorithms developed to predict the effect of sequence changes on RNA splicing suggest that this variant is not likely to affect RNA splicing. In summary, the available evidence is currently insufficient to determine the role of this variant in disease. Therefore, it has been classified as a Variant of Uncertain Significance.

Literature cited by the submitters: PubMed 17576681 (cited by Labcorp Genetics (formerly Invitae), Labcorp); PubMed 9536098 (cited by Labcorp Genetics (formerly Invitae), Labcorp).

NM_004944.4(DNASE1L3):c.704+4G>A

Gene: DNASE1L3 (deoxyribonuclease 1L3; minus strand). Cytogenetic location: 3p14.3.
Variant type: single nucleotide variant.
Coding change: c.704+4G>A on transcript NM_004944.4 (MANE Select); 4 bases into the intron after coding-DNA position 704, G replaced by A.
Molecular consequence: intron variant.
Genome position (GRCh38, 1-based): chr3:58,197,817, C>T on the plus strand (G>A on the coding strand, the complement: DNASE1L3 is on the minus strand). VCF-style: chr3-58197817-C-T. GRCh37 (hg19) VCF-style: chr3-58183544-C-T.
Other names: c.614+4G>A (NM_001256560.2).
Identifiers: ClinVar variation 1476713 (VCV001476713.5), dbSNP rs771697274, ClinGen allele CA2469893.